The following is an entry in ClinVar:

ClinVar aggregate classification (germline): Likely pathogenic (1 of 4 stars; one submission).
ClinVar aggregate classification (somatic clinical impact): Tier II - Potential (1 of 4 stars; one submission).

Conditions:
ARID1A-related disorder. Also called: ARID1A-related condition.
Ependymoma. Also called: Ependymoma, familial; Clear cell ependymoma (histologic variant); Papillary ependymoma (histologic variant); Cellular ependymoma (histologic variant); Tanycytic ependymoma (histologic variant). Identifiers: Orphanet 251636, MedGen C0014474, MeSH D004806, MONDO:0016698, HP:0002888.

Submissions (2):

Institute for Genomic Medicine (IGM) Clinical Laboratory, Nationwide Children's Hospital
Classification: Tier II - Potential for Ependymoma. Assertion type: diagnostic. Clinical significance: supports diagnosis. Last evaluated: 2024-11-13. Review status: criteria provided, single submitter. Criteria: AMP/ASCO/CAP Guidelines, 2017. Collection method: clinical testing. Allele origin: somatic. Affected: yes.
Comment: Variant has Tier II (potential) clinical significance as a diagnostic inclusion criterion in ependymoma, based on the following evidence: 1) Assists in diagnosis alone or along with other biomarkers based on small studies or few case reports (Evidence Level D; PMIDs: 38600891, 36348021, 23202128, 22009941, 21900401, 21590771, 20826764).

PreventionGenetics, part of Exact Sciences
Classification: Likely pathogenic for ARID1A-related condition. Last evaluated: 2022-09-25. Review status: criteria provided, single submitter. Criteria: ACMG Guidelines, 2015. Collection method: clinical testing. Allele origin: germline.
Comment: The ARID1A c.6472C>T variant is predicted to result in premature protein termination (p.Arg2158*). To our knowledge, this variant has not been reported in the literature or in a large population database, indicating this variant is rare. The p.Arg2158* variant is located at the terminal exon and other downstream protein-truncating variants have been reported in individuals with Coffin-Siris syndrome (Santen et al. 2013. PubMed ID: 23929686). This variant is interpreted as likely pathogenic.

Literature cited by the submitters: PubMed 38600891 (cited by Institute for Genomic Medicine (IGM) Clinical Laboratory, Nationwide Children's Hospital); PubMed 36348021 (cited by Institute for Genomic Medicine (IGM) Clinical Laboratory, Nationwide Children's Hospital); PubMed 23202128 (cited by Institute for Genomic Medicine (IGM) Clinical Laboratory, Nationwide Children's Hospital); PubMed 22009941 (cited by Institute for Genomic Medicine (IGM) Clinical Laboratory, Nationwide Children's Hospital); PubMed 21900401 (cited by Institute for Genomic Medicine (IGM) Clinical Laboratory, Nationwide Children's Hospital); PubMed 21590771 (cited by Institute for Genomic Medicine (IGM) Clinical Laboratory, Nationwide Children's Hospital); PubMed 20826764 (cited by Institute for Genomic Medicine (IGM) Clinical Laboratory, Nationwide Children's Hospital).

NM_006015.6(ARID1A):c.6472C>T (p.Arg2158Ter)

Gene: ARID1A (AT-rich interaction domain 1A; plus strand). Cytogenetic location: 1p36.11.
Variant type: single nucleotide variant.
Coding change: c.6472C>T on transcript NM_006015.6 (MANE Select); coding-DNA position 6472, C replaced by T.
Protein change: p.Arg2158Ter; replaces arginine 2158 with a stop codon.
Molecular consequence: nonsense.
Genome position (GRCh38, 1-based): chr1:26,780,370, C>T. VCF-style: chr1-26780370-C-T. GRCh37 (hg19) VCF-style: chr1-27106861-C-T.
Other names: c.5821C>T, p.Arg1941Ter (NM_139135.4); short protein forms R1941*, R2158*.
Identifiers: ClinVar variation 2637152 (VCV002637152.2), dbSNP rs1026678745, ClinGen allele CA339192525.